The following is an entry in ClinVar:

NM_031263.4(HNRNPK):c.1053_1054dup (p.Trp352fs)

Gene: HNRNPK (heterogeneous nuclear ribonucleoprotein K; minus strand). Cytogenetic location: 9q21.32.
Variant type: Duplication.
Coding change: c.1053_1054dup on transcript NM_031263.4 (MANE Select); coding-DNA positions 1053 to 1054, 2 bases duplicated (AT; older notation c.1053_1054dupAT).
Protein change: p.Trp352fs; shifts the reading frame from tryptophan 352.
Molecular consequence: frameshift variant.
Genome position (GRCh38, 1-based): chr9:83,971,311-83,971,312, AT duplicated on the plus strand (AT on the coding strand, the reverse complement: HNRNPK is on the minus strand). VCF-style (leftmost placement, unchanged base first): chr9-83971310-C-CAT. GRCh37 (hg19) VCF-style: chr9-86586225-C-CAT.
Other names: c.981_982dup, p.Trp328fs (NM_001318186.2, NM_001318187.2); c.1053_1054dup, p.Trp352fs (NM_001318188.2, NM_002140.5, NM_031262.4); short protein forms W328fs, W352fs.
Identifiers: ClinVar variation 2631194 (VCV002631194.1), dbSNP rs2491962274, ClinGen allele CA2695201592.

ClinVar aggregate classification (germline): Pathogenic (1 of 4 stars; one submission).

Conditions:
HNRNPK-related disorder. Also called: HNRNPK-related condition.

Submission:

PreventionGenetics, part of Exact Sciences
Classification: Pathogenic for HNRNPK-related condition. Last evaluated: 2023-07-25. Review status: criteria provided, single submitter. Criteria: ACMG Guidelines, 2015. Collection method: clinical testing. Allele origin: germline.
Comment: The HNRNPK c.1053_1054dupAT variant is predicted to result in a frameshift and premature protein termination (p.Trp352Tyrfs*42). To our knowledge, this variant has not been reported in the literature or in a large population database, indicating this variant is rare. Frameshift variants in HNRNPK are expected to be pathogenic. This variant is interpreted as pathogenic.